The following is an entry in ClinVar:

ClinVar aggregate classification (germline): Uncertain significance (1 of 4 stars; one submission).

Conditions:
Early-infantile DEE. Also called: Early infantile epileptic encephalopathy with suppression bursts; Early infantile epileptic encephalopathy; Ohtahara syndrome. Identifiers: Orphanet 1934, MedGen C0393706, MONDO:0800491.

Allele frequency attached by ClinVar (database versions not stated): TOPMed 0.00001.

Submission:

Labcorp Genetics (formerly Invitae), Labcorp
Classification: Uncertain significance for Early-infantile DEE. Last evaluated: 2023-11-27. Review status: criteria provided, single submitter. Criteria: Invitae Variant Classification Sherloc (09022015). Collection method: clinical testing. Allele origin: germline.
Comment: This sequence change affects codon 362 of the SPTAN1 mRNA. It is a 'silent' change, meaning that it does not change the encoded amino acid sequence of the SPTAN1 protein. It affects a nucleotide within the consensus splice site. This variant is not present in population databases (gnomAD no frequency). This variant has not been reported in the literature in individuals affected with SPTAN1-related conditions. Algorithms developed to predict the effect of sequence changes on RNA splicing suggest that this variant is not likely to affect RNA splicing. In summary, the available evidence is currently insufficient to determine the role of this variant in disease. Therefore, it has been classified as a Variant of Uncertain Significance.

NM_001130438.3(SPTAN1):c.1086G>A (p.Arg362=)

Gene: SPTAN1 (spectrin alpha, non-erythrocytic 1; plus strand). Cytogenetic location: 9q34.11.
Variant type: single nucleotide variant.
Coding change: c.1086G>A on transcript NM_001130438.3 (MANE Select); coding-DNA position 1086, G replaced by A.
Protein change: p.Arg362=; no amino-acid change (arginine 362 retained).
Molecular consequence: synonymous variant.
Genome position (GRCh38, 1-based): chr9:128,578,110, G>A. VCF-style: chr9-128578110-G-A. GRCh37 (hg19) VCF-style: chr9-131340389-G-A.
Other names: c.1086G>A, p.Arg362= (NM_001195532.2, NM_001363759.2, NM_001363765.2 and 5 more transcripts); c.1122G>A, p.Arg374= (NM_001375312.2, NM_001375318.1).
Identifiers: ClinVar variation 2741178 (VCV002741178.3), dbSNP rs1349407009, ClinGen allele CA467295004.